The following is an entry in ClinVar:

ClinVar aggregate classification (germline): Likely benign (0 of 4 stars; one submission).

Conditions:
VWA2-related disorder. Also called: VWA2-related condition.

Allele frequency attached by ClinVar (database versions not stated): 1000 Genomes Project 0.00140; 1000 Genomes Project 30x 0.00156; ESP Exome Variant Server 0.00161; TOPMed 0.00174; gnomAD 0.00218.
gnomAD v4.1: 3,657 of 1,613,194 alleles (0.23%); highest among the groups gnomAD compares: Middle Eastern, 0.29%; 6 homozygotes.

Submission:

PreventionGenetics, part of Exact Sciences
Classification: Likely benign for VWA2-related condition. Last evaluated: 2020-11-17. Review status: no assertion criteria provided. Collection method: clinical testing. Allele origin: germline.
Comment: This variant is classified as likely benign based on ACMG/AMP sequence variant interpretation guidelines (Richards et al. 2015 PMID: 25741868, with internal and published modifications).

NM_001272046.2(VWA2):c.206G>T (p.Arg69Met)

Gene: VWA2 (von Willebrand factor A domain containing 2; plus strand). Cytogenetic location: 10q25.3.
Variant type: single nucleotide variant.
Coding change: c.206G>T on transcript NM_001272046.2 (MANE Select); coding-DNA position 206, G replaced by T.
Protein change: p.Arg69Met; replaces arginine 69 with methionine.
Molecular consequence: missense variant.
Genome position (GRCh38, 1-based): chr10:114,254,993, G>T. VCF-style: chr10-114254993-G-T. GRCh37 (hg19) VCF-style: chr10-116014752-G-T.
Other names: c.206G>T, p.Arg69Met (NM_001320804.1); short protein forms R69M.
Identifiers: ClinVar variation 3050813 (VCV003050813.2), dbSNP rs149309552, ClinGen allele CA5700230.